The following is an entry in ClinVar:

ClinVar aggregate classification (germline): Uncertain significance (1 of 4 stars; one submission).

Conditions:
Epidermolysis bullosa simplex 5B, with muscular dystrophy (EBS5B). Also called: Epidermolysis bullosa simplex with muscular dystrophy; EPIDERMOLYSIS BULLOSA SIMPLEX AND LIMB-GIRDLE MUSCULAR DYSTROPHY. Identifiers: Orphanet 257, MedGen C2931072, MONDO:0009181, OMIM 226670.
Epidermolysis bullosa simplex, Ogna type (EBS5A). Also called: EPIDERMOLYSIS BULLOSA SIMPLEX 5A, OGNA TYPE; Pidermolysis bullosa simplex 5A, Ogna type. Identifiers: Orphanet 79401, MedGen C0432317, MONDO:0007555, OMIM 131950.
Epidermolysis bullosa simplex 5C, with pyloric atresia (EBS5C). Also called: PLEC-Related Epidermolysis Bullosa with Pyloric Atresia; Epidermolysis bullosa simplex with pyloric atresia; PLEC1-Related Epidermolysis Bullosa with Pyloric Atresia. Identifiers: Orphanet 158684, MedGen C2677349, MONDO:0012807, OMIM 612138.
Epidermolysis bullosa simplex with nail dystrophy (EBS5D). Identifiers: MedGen C4225309, MONDO:0014661, OMIM 616487.
Autosomal recessive limb-girdle muscular dystrophy type 2Q (LGMDR17). Also called: MUSCULAR DYSTROPHY, LIMB-GIRDLE, AUTOSOMAL RECESSIVE 17. Identifiers: Orphanet 254361, MedGen C3150989, MONDO:0013390, OMIM 613723.

Allele frequency attached by ClinVar (database versions not stated): ExAC 0.00001; gnomAD exomes 0.00001.

Submission:

Labcorp Genetics (formerly Invitae), Labcorp
Classification: Uncertain significance for Autosomal recessive limb-girdle muscular dystrophy type 2Q; Epidermolysis bullosa simplex, Ogna type; Epidermolysis bullosa simplex with nail dystrophy; Epidermolysis bullosa simplex 5C, with pyloric atresia; Epidermolysis bullosa simplex 5B, with muscular dystrophy. Last evaluated: 2022-02-20. Review status: criteria provided, single submitter. Criteria: Invitae Variant Classification Sherloc (09022015). Collection method: clinical testing. Allele origin: germline.
Comment: In summary, the available evidence is currently insufficient to determine the role of this variant in disease. Therefore, it has been classified as a Variant of Uncertain Significance. Algorithms developed to predict the effect of missense changes on protein structure and function are either unavailable or do not agree on the potential impact of this missense change (SIFT: "Deleterious"; PolyPhen-2: "Not Available"; Align-GVGD: "Class C0"). This variant has not been reported in the literature in individuals affected with PLEC-related conditions. This variant is present in population databases (rs782060781, gnomAD 0.003%). This sequence change replaces glycine, which is neutral and non-polar, with aspartic acid, which is acidic and polar, at codon 398 of the PLEC protein (p.Gly398Asp).

NM_201384.3(PLEC):c.1112G>A (p.Gly371Asp)

Gene: PLEC (plectin; minus strand). Cytogenetic location: 8q24.3.
Variant type: single nucleotide variant.
Coding change: c.1112G>A on transcript NM_201384.3 (MANE Select); coding-DNA position 1112, G replaced by A.
Protein change: p.Gly371Asp; replaces glycine 371 with aspartic acid.
Molecular consequence: missense variant.
Genome position (GRCh38, 1-based): chr8:143,934,375, C>T on the plus strand (G>A on the coding strand, the complement: PLEC is on the minus strand). VCF-style: chr8-143934375-C-T. GRCh37 (hg19) VCF-style: chr8-145008543-C-T.
Other names: c.1193G>A, p.Gly398Asp (NM_000445.5, NM_001410941.1); c.1070G>A, p.Gly357Asp (NM_201378.4); c.1046G>A, p.Gly349Asp (NM_201379.3); c.1523G>A, p.Gly508Asp (NM_201380.4); c.1016G>A, p.Gly339Asp (NM_201381.3); c.1112G>A, p.Gly371Asp (NM_201382.4); c.1124G>A, p.Gly375Asp (NM_201383.3); short protein forms G375D, G398D, G357D, G371D, G339D, G508D, G349D.
Identifiers: ClinVar variation 1928588 (VCV001928588.5), dbSNP rs782060781, ClinGen allele CA4928166.